The following is an entry in ClinVar:

ClinVar aggregate classification (germline): Uncertain significance (1 of 4 stars; one submission).

Submission:

GeneDx
Classification: Uncertain significance. Last evaluated: 2022-10-09. Review status: criteria provided, single submitter. Criteria: GeneDx Variant Classification Process June 2021. Collection method: clinical testing. Allele origin: germline. Affected: yes.
Comment: In-frame deletion of 3 amino acids in a non-repeat region; In silico analysis supports a deleterious effect on protein structure/function; Has not been previously published as pathogenic or benign to our knowledge

NM_001399.5(EDA):c.570_578del (p.188PGP[2])

Gene: EDA (ectodysplasin A; plus strand). Cytogenetic location: Xq13.1.
Variant type: Deletion.
Coding change: c.570_578del on transcript NM_001399.5 (MANE Select); coding-DNA positions 570 to 578, 9 bases deleted (CCCAGGACC; older notation c.570_578delCCCAGGACC).
Protein change: p.188PGP[2].
Molecular consequence: inframe deletion.
Genome position (GRCh38, 1-based): chrX:70,027,900-70,027,908, CCCAGGACC deleted; deleting any 9 consecutive bases within chrX:70,027,892-70,027,908 gives the same sequence; the c. name uses the placement nearest the transcript's 3' end. VCF-style (leftmost placement, unchanged base first): chrX-70027891-TCCAGGACCC-T. GRCh37 (hg19) VCF-style: chrX-69247741-TCCAGGACCC-T.
Other names: c.570_578del, p.188PGP[2] (NM_001005609.2, NM_001005612.3).
Identifiers: ClinVar variation 1710553 (VCV001710553.2), dbSNP rs973726321, ClinGen allele CA330952210.
Genomic context (GRCh38, chrX:70,027,891, plus strand): 5'-AAGTAACACTGAATCCTATTTTTCAGGAAAGAAAGCAGGACCTCCTGGACCCAATGGCCC[TCCAGGACCC>T]CCAGGACCTCCAGGACCCCAGGGACCCCCAGGAATTCCAGGGATTCCTGGAATTCCAGGA-3'